The following is an entry in ClinVar:

NM_000238.4(KCNH2):c.427C>T (p.His143Tyr)

Gene: KCNH2 (potassium voltage-gated channel subfamily H member 2; minus strand). Cytogenetic location: 7q36.1.
Variant type: single nucleotide variant.
Coding change: c.427C>T on transcript NM_000238.4 (MANE Select); coding-DNA position 427, C replaced by T.
Protein change: p.His143Tyr; replaces histidine 143 with tyrosine.
Molecular consequence: missense variant. On other transcripts: non-coding transcript variant (1).
Genome position (GRCh38, 1-based): chr7:150,959,617, G>A on the plus strand (C>T on the coding strand, the complement: KCNH2 is on the minus strand). VCF-style: chr7-150959617-G-A. GRCh37 (hg19) VCF-style: chr7-150656705-G-A.
Other names: c.139C>T, p.His47Tyr (NM_001406753.1, NM_001406756.1); c.250C>T, p.His84Tyr (NM_001406755.1); c.127C>T, p.His43Tyr (NM_001406757.1); c.427C>T, p.His143Tyr (NM_172056.3); short protein forms H143Y, H43Y, H47Y, H84Y.
Identifiers: ClinVar variation 3070963 (VCV003070963.1), dbSNP rs2486100490, ClinGen allele CA369863677.
Genomic context (GRCh38, chr7:150,959,617, plus strand): 5'-AGCAAGTACACTTACCTGGGGCCAGCCAGCTGGTGGGGGGGCCCCGGTGGTTGGTGTCAT[G>A]AGCCGGGGACCCCACCATGTCCTTCTCCATCACCACCTCGAAATTGAGGATGAACATGAT-3'
Protein context (NP_000229.1, residues 133-153): MEKDMVGSPA[His143Tyr]DTNHRGPPTS

ClinVar aggregate classification (germline): Uncertain significance (1 of 4 stars; one submission).

Conditions:
Long QT syndrome (LQTS). Identifiers: MedGen C0023976, MeSH D008133, MONDO:0002442. Disease mechanism: loss of function. Inheritance: Various modes of inheritance.

Allele frequency attached by ClinVar (database versions not stated): gnomAD exomes below 0.00001.
gnomAD v4.1: 1 of 1,614,128 alleles (0.000062%); highest among the groups gnomAD compares: Non-Finnish European, 0.000085%; no homozygotes.

Submission:

All of Us Research Program, National Institutes of Health
Classification: Uncertain significance for Long QT syndrome. Last evaluated: 2023-05-15. Review status: criteria provided, single submitter. Criteria: ACMG Guidelines, 2015. Collection method: clinical testing. Allele origin: germline. Inheritance: Autosomal dominant inheritance. Observed: 1 variant allele, 1 heterozygote.
Comment: This missense variant replaces histidine with tyrosine at codon 143 of the KCNH2 protein. Computational prediction suggests that this variant may not impact protein structure and function (internally defined REVEL score threshold <= 0.5, PMID: 27666373). To our knowledge, functional studies have not been reported for this variant. This variant has not been reported in individuals affected with KCNH2-related disorders in the literature. This variant has not been identified in the general population by the Genome Aggregation Database (gnomAD). The available evidence is insufficient to determine the role of this variant in disease conclusively. Therefore, this variant is classified as a Variant of Uncertain Significance.

This study involves interpretation of variants in research participants for the purpose of population health screening. Participant phenotype was not available at the time of variant classification. Additional details can be found in publication PMID: 35346344, PMCID: PMC8962531